The following is an entry in ClinVar:

ClinVar aggregate classification (germline): Uncertain significance (1 of 4 stars; one submission).

Conditions:
Fanconi anemia (FA). Also called: Fanconi's anemia. Identifiers: Orphanet 84, MedGen C0015625, MeSH D005199, MONDO:0019391.

Allele frequency attached by ClinVar (database versions not stated): gnomAD exomes below 0.00001.
gnomAD v4.1: 1 of 1,606,642 alleles (0.000062%); highest among the groups gnomAD compares: Non-Finnish European, 0.000085%; no homozygotes.

Submission:

Labcorp Genetics (formerly Invitae), Labcorp
Classification: Uncertain significance for Fanconi anemia. Last evaluated: 2022-12-10. Review status: criteria provided, single submitter. Criteria: Invitae Variant Classification Sherloc (09022015). Collection method: clinical testing. Allele origin: germline.
Comment: This variant is not present in population databases (gnomAD no frequency). This sequence change replaces serine, which is neutral and polar, with cysteine, which is neutral and slightly polar, at codon 1363 of the FANCM protein (p.Ser1363Cys). This variant has not been reported in the literature in individuals affected with FANCM-related conditions. In summary, the available evidence is currently insufficient to determine the role of this variant in disease. Therefore, it has been classified as a Variant of Uncertain Significance. Algorithms developed to predict the effect of missense changes on protein structure and function are either unavailable or do not agree on the potential impact of this missense change (SIFT: "Tolerated"; PolyPhen-2: "Possibly Damaging"; Align-GVGD: "Class C0").

NM_020937.4(FANCM):c.4088C>G (p.Ser1363Cys)

Gene: FANCM (FA complementation group M; plus strand). Cytogenetic location: 14q21.2.
Variant type: single nucleotide variant.
Coding change: c.4088C>G on transcript NM_020937.4 (MANE Select); coding-DNA position 4088, C replaced by G.
Protein change: p.Ser1363Cys; replaces serine 1363 with cysteine.
Molecular consequence: missense variant.
Genome position (GRCh38, 1-based): chr14:45,176,842, C>G. VCF-style: chr14-45176842-C-G. GRCh37 (hg19) VCF-style: chr14-45646045-C-G.
Other names: c.4010C>G, p.Ser1337Cys (NM_001308133.2); short protein forms S1363C, S1337C.
Identifiers: ClinVar variation 2955499 (VCV002955499.3), dbSNP rs2503197130, ClinGen allele CA389604256.